The following is an entry in ClinVar:

ClinVar aggregate classification (germline): Uncertain significance (1 of 4 stars; one submission).

Allele frequency attached by ClinVar (database versions not stated): gnomAD exomes below 0.00001.
gnomAD v4.1: 2 of 1,599,178 alleles (0.00013%); highest among the groups gnomAD compares: Non-Finnish European, 0.00017%; no homozygotes.

Submission:

Labcorp Genetics (formerly Invitae), Labcorp
Classification: Uncertain significance. Last evaluated: 2025-04-16. Review status: criteria provided, single submitter. Criteria: Invitae Variant Classification Sherloc (09022015). Collection method: clinical testing. Allele origin: germline.
Comment: This sequence change replaces glycine, which is neutral and non-polar, with glutamic acid, which is acidic and polar, at codon 233 of the FSCN2 protein (p.Gly233Glu). The frequency data for this variant in the population databases is considered unreliable, as metrics indicate poor data quality at this position in the gnomAD database. This variant has not been reported in the literature in individuals affected with FSCN2-related conditions. ClinVar contains an entry for this variant (Variation ID: 2831189). An algorithm developed to predict the effect of missense changes on protein structure and function (PolyPhen-2) suggests that this variant is likely to be disruptive. In summary, the available evidence is currently insufficient to determine the role of this variant in disease. Therefore, it has been classified as a Variant of Uncertain Significance.

NM_012418.4(FSCN2):c.698G>A (p.Gly233Glu)

Gene: FSCN2 (fascin actin-bundling protein 2, retinal; plus strand). Cytogenetic location: 17q25.3.
Variant type: single nucleotide variant.
Coding change: c.698G>A on transcript NM_012418.4 (MANE Select); coding-DNA position 698, G replaced by A.
Protein change: p.Gly233Glu; replaces glycine 233 with glutamic acid.
Molecular consequence: missense variant.
Genome position (GRCh38, 1-based): chr17:81,529,229, G>A. VCF-style: chr17-81529229-G-A. GRCh37 (hg19) VCF-style: chr17-79496255-G-A.
Other names: c.698G>A, p.Gly233Glu (NM_001077182.3); short protein forms G233E.
Identifiers: ClinVar variation 2831189 (VCV002831189.3), dbSNP rs1555670808, ClinGen allele CA401473466.